The following is an entry in ClinVar:

NM_001105206.3(LAMA4):c.1979C>T (p.Thr660Ile)

Gene: LAMA4 (laminin subunit alpha 4; minus strand). Cytogenetic location: 6q21.
Variant type: single nucleotide variant.
Coding change: c.1979C>T on transcript NM_001105206.3 (MANE Select); coding-DNA position 1979, C replaced by T.
Protein change: p.Thr660Ile; replaces threonine 660 with isoleucine.
Molecular consequence: missense variant.
Genome position (GRCh38, 1-based): chr6:112,154,928, G>A on the plus strand (C>T on the coding strand, the complement: LAMA4 is on the minus strand). VCF-style: chr6-112154928-G-A. GRCh37 (hg19) VCF-style: chr6-112476130-G-A.
Other names: c.1958C>T, p.Thr653Ile (NM_001105207.3, NM_002290.5); short protein forms T660I, T653I.
Identifiers: ClinVar variation 2902528 (VCV002902528.4), dbSNP rs374932946, ClinGen allele CA3965618.

ClinVar aggregate classification (germline): Uncertain significance. Review status: criteria provided, multiple submitters, no conflicts (2 of 4 stars). 2 submissions from 2 submitters: Uncertain significance (2). Last evaluated 2025-10-25.

Conditions:
Cardiovascular phenotype. Identifiers: MedGen CN230736.
Dilated cardiomyopathy 1JJ (CMD1JJ). Identifiers: Orphanet 154, MedGen C3808935, MONDO:0014095, OMIM 615235.

Allele frequency attached by ClinVar (database versions not stated): ESP Exome Variant Server 0.00008; gnomAD exomes below 0.00001; ExAC 0.00001; TOPMed 0.00005; gnomAD 0.00004.
gnomAD v4.1: 11 of 1,611,918 alleles (0.00068%); highest among the groups gnomAD compares: African/African-American, 0.012%; no homozygotes.

Submissions (2):

Labcorp Genetics (formerly Invitae), Labcorp
Classification: Uncertain significance for Dilated cardiomyopathy 1JJ. Last evaluated: 2025-10-25. Review status: criteria provided, single submitter. Criteria: Invitae Variant Classification Sherloc (09022015). Collection method: clinical testing. Allele origin: germline.
Comment: This sequence change replaces threonine, which is neutral and polar, with isoleucine, which is neutral and non-polar, at codon 653 of the LAMA4 protein (p.Thr653Ile). This variant is present in population databases (rs374932946, gnomAD 0.008%). This variant has not been reported in the literature in individuals affected with LAMA4-related conditions. ClinVar contains an entry for this variant (Variation ID: 2902528). Invitae Evidence Modeling of protein sequence and biophysical properties (such as structural, functional, and spatial information, amino acid conservation, physicochemical variation, residue mobility, and thermodynamic stability) has been performed for this missense variant. However, the output from this modeling did not meet the statistical confidence thresholds required to predict the impact of this variant on LAMA4 protein function. In summary, the available evidence is currently insufficient to determine the role of this variant in disease. Therefore, it has been classified as a Variant of Uncertain Significance.

Ambry Genetics
Classification: Uncertain significance for Cardiovascular phenotype. Last evaluated: 2023-09-30. Review status: criteria provided, single submitter. Criteria: Ambry Variant Classification Scheme 2023. Collection method: clinical testing. Allele origin: germline.
Comment: The p.T653I variant (also known as c.1958C>T), located in coding exon 15 of the LAMA4 gene, results from a C to T substitution at nucleotide position 1958. The threonine at codon 653 is replaced by isoleucine, an amino acid with similar properties. This amino acid position is conserved. In addition, this alteration is predicted to be tolerated by in silico analysis. Since supporting evidence is limited at this time, the clinical significance of this alteration remains unclear.